The following is an entry in ClinVar:

NM_001040716.2(PC):c.1826-1G>C

Gene: PC (pyruvate carboxylase; minus strand). Cytogenetic location: 11q13.2.
Variant type: single nucleotide variant.
Coding change: c.1826-1G>C on transcript NM_001040716.2 (MANE Select); the canonical splice acceptor site of the intron before coding-DNA position 1826, G replaced by C.
Molecular consequence: splice acceptor variant.
Genome position (GRCh38, 1-based): chr11:66,851,947, C>G on the plus strand (G>C on the coding strand, the complement: PC is on the minus strand). VCF-style: chr11-66851947-C-G. GRCh37 (hg19) VCF-style: chr11-66619418-C-G.
Other names: c.1826-1G>C (NM_000920.4, NM_022172.3).
Identifiers: ClinVar variation 2677480 (VCV002677480.5), dbSNP rs2495474689, ClinGen allele CA381494761.

ClinVar aggregate classification (germline): Likely pathogenic. Review status: criteria provided, multiple submitters, no conflicts (2 of 4 stars). 3 submissions from 3 submitters: Likely pathogenic (3). Last evaluated 2025-04-24.

Conditions:
Pyruvate carboxylase deficiency. Also called: ATAXIA WITH LACTIC ACIDOSIS II; LEIGH NECROTIZING ENCEPHALOPATHY DUE TO PYRUVATE CARBOXYLASE DEFICIENCY; LEIGH SYNDROME DUE TO PYRUVATE CARBOXYLASE DEFICIENCY; PC DEFICIENCY; Pyruvate Carboxylase Deficiency Disease. Identifiers: Orphanet 3008, MedGen C0034341, MONDO:0009949, OMIM 266150.

Submissions (3):

Myriad Genetics, Inc.
Classification: Likely pathogenic for Pyruvate carboxylase deficiency. Last evaluated: 2025-04-24. Review status: criteria provided, single submitter. Criteria: Myriad Autosomal Dominant, Autosomal Recessive and X-Linked Classification Criteria (2023). Collection method: clinical testing. Allele origin: unknown.
Comment: NM_000920.3(PC):c.1826-1G>C is a variant in a canonical splice site classified as likely pathogenic in the context of pyruvate carboxylase deficiency. c.1826-1G>C has not been observed in cases with relevant disease. Relevant functional assessments of this variant are not available in the literature. c.1826-1G>C has not been observed in referenced population frequency databases. In summary, NM_000920.3(PC):c.1826-1G>C is a variant in a canonical splice site in a gene where loss of function is a known mechanism of disease and is predicted to disrupt protein function. Please note: this variant was assessed in the context of healthy population screening.

Labcorp Genetics (formerly Invitae), Labcorp
Classification: Likely pathogenic for Pyruvate carboxylase deficiency. Last evaluated: 2023-09-19. Review status: criteria provided, single submitter. Criteria: Invitae Variant Classification Sherloc (09022015). Collection method: clinical testing. Allele origin: germline.
Comment: In summary, the currently available evidence indicates that the variant is pathogenic, but additional data are needed to prove that conclusively. Therefore, this variant has been classified as Likely Pathogenic. Algorithms developed to predict the effect of sequence changes on RNA splicing suggest that this variant may disrupt the consensus splice site. This variant has not been reported in the literature in individuals affected with PC-related conditions. This variant is not present in population databases (gnomAD no frequency). This sequence change affects an acceptor splice site in intron 14 of the PC gene. It is expected to disrupt RNA splicing. Variants that disrupt the donor or acceptor splice site typically lead to a loss of protein function (PMID: 16199547), and loss-of-function variants in PC are known to be pathogenic (PMID: 12112657, 19306334).

Baylor Genetics
Classification: Likely pathogenic for Pyruvate carboxylase deficiency. Last evaluated: 2023-04-10. Review status: criteria provided, single submitter. Criteria: ACMG Guidelines, 2015. Collection method: clinical testing. Allele origin: unknown.

Literature cited by the submitters: PubMed 16199547 (cited by Labcorp Genetics (formerly Invitae), Labcorp); PubMed 12112657 (cited by Labcorp Genetics (formerly Invitae), Labcorp); PubMed 19306334 (cited by Labcorp Genetics (formerly Invitae), Labcorp).